The following is an entry in ClinVar:

NC_000009.12:g.(?_6592841)_(6620329_?)del

Gene: GLDC (glycine decarboxylase; minus strand). Cytogenetic location: 9p24.1.
Variant type: Deletion.
Identifiers: ClinVar variation 832448 (VCV000832448.8).

ClinVar aggregate classification (germline): Pathogenic (1 of 4 stars; one submission).

Conditions:
Glycine encephalopathy. Also called: Nonketotic hyperglycinemia; Non-ketotic hyperglycinemia. Identifiers: Orphanet 407, MedGen C0751748, MONDO:0011612, HP:0008288.

Submission:

Labcorp Genetics (formerly Invitae), Labcorp
Classification: Pathogenic for Glycine encephalopathy. Last evaluated: 2019-07-26. Review status: criteria provided, single submitter. Criteria: Invitae Variant Classification Sherloc (09022015). Collection method: clinical testing. Allele origin: germline.
Comment: For these reasons, this variant has been classified as Pathogenic. Loss-of-function variants in GLDC are known to be pathogenic (PMID: 16601880). This variant has not been reported in the literature in individuals with GLDC-related conditions. This variant is an out-of-frame deletion of the genomic region encompassing exons 3-10 of the GLDC gene. This is expected to create a premature translational stop signal and result in an absent or disrupted protein product.

Literature cited by the submitters: PubMed 16601880.